The following is an entry in ClinVar:

NM_001048174.2(MUTYH):c.1453G>T (p.Val485Leu)

Gene: MUTYH (mutY DNA glycosylase; minus strand). Cytogenetic location: 1p34.1.
Variant type: single nucleotide variant.
Coding change: c.1453G>T on transcript NM_001048174.2 (MANE Select); coding-DNA position 1453, G replaced by T.
Protein change: p.Val485Leu; replaces valine 485 with leucine.
Molecular consequence: missense variant. On other transcripts: non-coding transcript variant (2).
Genome position (GRCh38, 1-based): chr1:45,329,419, C>A on the plus strand (G>T on the coding strand, the complement: MUTYH is on the minus strand). VCF-style: chr1-45329419-C-A. GRCh37 (hg19) VCF-style: chr1-45795091-C-A.
Other names: c.1453G>T, p.Val485Leu (NM_001048171.2, NM_001048173.2, NM_001293195.2); c.1456G>T, p.Val486Leu (NM_001048172.2); c.1537G>T, p.Val513Leu (NM_001128425.2); c.1498G>T, p.Val500Leu (NM_001293190.2); c.1486G>T, p.Val496Leu (NM_001293191.2); c.1177G>T, p.Val393Leu (NM_001293192.2, NM_001293196.2); c.1108G>T, p.Val370Leu (NM_001350650.2, NM_001350651.2); c.1528G>T, p.Val510Leu (NM_012222.3); short protein forms V513L, V499L, V370L, V500L, V486L, V496L, V393L, V485L.
Identifiers: ClinVar variation 238340 (VCV000238340.34), dbSNP rs780209880, ClinGen allele CA056894.

ClinVar aggregate classification (germline): Conflicting classifications of pathogenicity. Review status: criteria provided, conflicting classifications (1 of 4 stars). 5 submissions from 5 submitters: Uncertain significance (3); Benign (1). 1 of the submissions does not count toward it. Last evaluated 2026-01-11.

Conditions:
Hereditary cancer-predisposing syndrome. Also called: Tumor predisposition; Hereditary neoplastic syndrome; Neoplastic Syndromes, Hereditary; Hereditary Cancer Syndrome. Identifiers: Orphanet 140162, MedGen C0027672, MeSH D009386, MONDO:0015356.
Familial adenomatous polyposis 2. Also called: FAP type 2; MUTYH Polyposis; MUTYH-related attenuated familial adenomatous polyposis; COLORECTAL ADENOMATOUS POLYPOSIS, AUTOSOMAL RECESSIVE; ADENOMAS, MULTIPLE COLORECTAL, AUTOSOMAL RECESSIVE; Adenomas, multiple colorectal. Identifiers: Orphanet 220460, Orphanet 247798, MedGen C3272841, MONDO:0012041, OMIM 608456.

Allele frequency attached by ClinVar (database versions not stated): gnomAD exomes below 0.00001 and 0.00001; ExAC 0.00001; gnomAD 0.00001.

Submissions (5):

Labcorp Genetics (formerly Invitae), Labcorp
Classification: Uncertain significance for Familial adenomatous polyposis 2. Last evaluated: 2026-01-11. Review status: criteria provided, single submitter. Criteria: Invitae Variant Classification Sherloc (09022015). Collection method: clinical testing. Allele origin: germline.
Comment: This sequence change replaces valine, which is neutral and non-polar, with leucine, which is neutral and non-polar, at codon 513 of the MUTYH protein (p.Val513Leu). This variant is present in population databases (rs780209880, gnomAD 0.002%). This variant has not been reported in the literature in individuals affected with MUTYH-related conditions. ClinVar contains an entry for this variant (Variation ID: 238340). An algorithm developed to predict the effect of missense changes on protein structure and function outputs the following: PolyPhen-2: "Benign". The leucine amino acid residue is found in multiple mammalian species, which suggests that this missense change does not adversely affect protein function. In summary, the available evidence is currently insufficient to determine the role of this variant in disease. Therefore, it has been classified as a Variant of Uncertain Significance.

Ambry Genetics
Classification: Benign for Hereditary cancer-predisposing syndrome. Last evaluated: 2025-09-09. Review status: criteria provided, single submitter. Criteria: Ambry Variant Classification Scheme 2023. Collection method: clinical testing. Allele origin: germline.

Color Diagnostics, LLC DBA Color Health
Classification: Uncertain significance for Hereditary cancer-predisposing syndrome. Last evaluated: 2022-03-28. Review status: criteria provided, single submitter. Criteria: ACMG Guidelines, 2015. Collection method: clinical testing. Allele origin: germline.
Comment: This missense variant replaces valine with leucine at codon 513 of the MUTYH protein. Computational prediction suggests that this variant may not impact protein structure and function (internally defined REVEL score threshold <= 0.5, PMID: 27666373). To our knowledge, functional studies have not been reported for this variant. This variant has not been reported in individuals affected with hereditary cancer in the literature. This variant has been identified in 2/251418 chromosomes in the general population by the Genome Aggregation Database (gnomAD). The available evidence is insufficient to determine the role of this variant in disease conclusively. Therefore, this variant is classified as a Variant of Uncertain Significance.

Sema4
Classification: Uncertain significance for Hereditary cancer-predisposing syndrome. Last evaluated: 2022-01-06. Review status: criteria provided, single submitter. Criteria: Sema4 Curation Guidelines. Collection method: curation. Allele origin: germline.
Comment: To the best of our knowledge, the MUTYH c.1537G>T (p.V513L) variant has not been reported in individuals with MUTYH-related disease. It has been reported in a large case-control study of breast cancer in 1/60466 cases and 1/53461 controls (PMID: 33471991). It was observed in 2/113706 chromosomes of the Non-Finnish European subpopulation in the large and broad cohorts of the Genome Aggregation Database (PMID: 32461654). This variant has been reported in ClinVar (Variation ID 238340). In silico tools suggest the impact of the variant on protein function is benign, though these predictions have not been confirmed by functional studies. The evidence is insufficient to meet ACMG/AMP criteria for classifying the variant as benign or pathogenic. Thus, the clinical significance of this variant is currently uncertain.

Counsyl
Classification: Uncertain significance for Familial adenomatous polyposis 2. Last evaluated: 2018-01-10. Review status: no assertion criteria provided. Collection method: clinical testing. Allele origin: unknown. Not counted in ClinVar's aggregate classification.

Literature cited by the submitters: PubMed 33471991 (cited by Sema4).